The following is an entry in ClinVar:

ClinVar aggregate classification (germline): Likely pathogenic (1 of 4 stars; one submission).

Conditions:
Primary Mitochondrial Disorders. Identifiers: MedGen CN381104.

Submission:

Variantyx, Inc.
Classification: Likely pathogenic for primary mitochondrial disorders. Last evaluated: 2025-09-22. Review status: criteria provided, single submitter. Criteria: Variantyx Assertion Criteria 2022. Collection method: clinical testing. Allele origin: germline. Inheritance: Mitochondrial inheritance.
Comment: The m.3578T>G, c.272T>G, p.Met91* change is a a nonsense single nucleotide variant in the MT-ND1 gene. Pathogenic variants in this gene have been associated with primary mitochondrial disorders [PMID:32158465]. This variant introduces a premature termination codon, and is expected to alter or truncate at least 10% of the protein (PVS1). Computational algorithms support a deleterious effect on the gene or gene product (Aggregate Predicted Severity Score: 1) (PP3). This variant is absent from control populations (PM2). Based on the current evidence, this variant is classified as pathogenic for primary mitochondrial disorders.

Literature cited by the submitters: PubMed 32158465.

NC_012920.1(MT-ND1):m.3578T>G

Gene: MT-ND1 (mitochondrially encoded NADH dehydrogenase 1; plus strand).
Variant type: single nucleotide variant.
Genome position: chrM-3578-T-G.
Identifiers: ClinVar variation 4850158 (VCV004850158.1).
Genomic context (GRCh38, chrMT:3,578, plus strand): 5'-ACATCACCGCCCCGACCTTAGCTCTCACCATCGCTCTTCTACTATGAACCCCCCTCCCCA[T>G]ACCCAACCCCCTGGTCAACCTCAACCTAGGCCTCCTATTTATTCTAGCCACCTCTAGCCT-3'